The following is an entry in ClinVar:

NM_005751.5(AKAP9):c.3562A>G (p.Ile1188Val)

Gene: AKAP9 (A-kinase anchoring protein 9; plus strand). Cytogenetic location: 7q21.2.
Variant type: single nucleotide variant.
Coding change: c.3562A>G on transcript NM_005751.5 (MANE Select); coding-DNA position 3562, A replaced by G.
Protein change: p.Ile1188Val; replaces isoleucine 1188 with valine.
Molecular consequence: missense variant.
Genome position (GRCh38, 1-based): chr7:92,014,278, A>G. VCF-style: chr7-92014278-A-G. GRCh37 (hg19) VCF-style: chr7-91643592-A-G.
Other names: c.3562A>G, p.Ile1188Val (NM_147185.3); short protein forms I1188V.
Identifiers: ClinVar variation 3281889 (VCV003281889.1).

ClinVar aggregate classification (germline): Uncertain significance (1 of 4 stars; one submission).

Conditions:
Cardiovascular phenotype. Identifiers: MedGen CN230736.

gnomAD v4.1: 4 of 1,613,440 alleles (0.00025%); highest among the groups gnomAD compares: Non-Finnish European, 0.00034%; no homozygotes.

Submission:

Ambry Genetics
Classification: Uncertain significance for Cardiovascular phenotype. Last evaluated: 2024-04-19. Review status: criteria provided, single submitter. Criteria: Ambry Variant Classification Scheme 2023. Collection method: clinical testing. Allele origin: germline.
Comment: The p.I1188V variant (also known as c.3562A>G), located in coding exon 10 of the AKAP9 gene, results from an A to G substitution at nucleotide position 3562. The isoleucine at codon 1188 is replaced by valine, an amino acid with highly similar properties. This amino acid position is conserved. In addition, this alteration is predicted to be tolerated by in silico analysis. Based on the available evidence, the clinical significance of this variant remains unclear.